The following is an entry in ClinVar:

NM_006648.4(WNK2):c.1699C>T (p.Pro567Ser)

Gene: WNK2 (WNK lysine deficient protein kinase 2; plus strand). Cytogenetic location: 9q22.31.
Variant type: single nucleotide variant.
Coding change: c.1699C>T on transcript NM_006648.4 (MANE Select); coding-DNA position 1699, C replaced by T.
Protein change: p.Pro567Ser; replaces proline 567 with serine.
Molecular consequence: missense variant.
Genome position (GRCh38, 1-based): chr9:93,247,699, C>T. VCF-style: chr9-93247699-C-T. GRCh37 (hg19) VCF-style: chr9-96009981-C-T.
Other names: c.1699C>T, p.Pro567Ser (NM_001282394.3); short protein forms P567S.
Identifiers: ClinVar variation 4605378 (VCV004605378.1).
Genomic context (GRCh38, chr9:93,247,699, plus strand): 5'-TGGCCCGCGCTGCAGCCCAAGGAGCAGCAGGATGTGGGCAGCCCGGACAAGGCCAGGGGT[C>T]CGCCGGTGCCCCTGCAGGTCCAGGTGACCTACCATGCACAGGCTGGGCAGCCCGGGCCAC-3'
Protein context (NP_006639.3, residues 557-577): DVGSPDKARG[Pro567Ser]PVPLQVQVTY

ClinVar aggregate classification (germline): Uncertain significance (1 of 4 stars; one submission).

Submission:

Ambry Genetics
Classification: Uncertain significance. Last evaluated: 2025-11-22. Review status: criteria provided, single submitter. Criteria: Ambry Variant Classification Scheme 2023. Collection method: clinical testing. Allele origin: germline.
Comment: The p.P567S variant (also known as c.1699C>T), located in coding exon 7 of the WNK2 gene, results from a C to T substitution at nucleotide position 1699. The proline at codon 567 is replaced by serine, an amino acid with similar properties. This amino acid position is conserved. In addition, this alteration is predicted to be tolerated by in silico analysis. Based on the available evidence, the clinical significance of this variant remains unclear.